The following is an entry in ClinVar:

NM_001040108.2(MLH3):c.3290A>G (p.Tyr1097Cys)

Gene: MLH3 (mutL homolog 3; minus strand). Cytogenetic location: 14q24.3.
Variant type: single nucleotide variant.
Coding change: c.3290A>G on transcript NM_001040108.2 (MANE Select); coding-DNA position 3290, A replaced by G.
Protein change: p.Tyr1097Cys; replaces tyrosine 1097 with cysteine.
Molecular consequence: missense variant.
Genome position (GRCh38, 1-based): chr14:75,042,468, T>C on the plus strand (A>G on the coding strand, the complement: MLH3 is on the minus strand). VCF-style: chr14-75042468-T-C. GRCh37 (hg19) VCF-style: chr14-75509171-T-C.
Other names: c.3290A>G, p.Tyr1097Cys (NM_014381.3); short protein forms Y1097C.
Identifiers: ClinVar variation 1729844 (VCV001729844.3), dbSNP rs1234172039, ClinGen allele CA390432055.
Genomic context (GRCh38, chr14:75,042,468, plus strand): 5'-TCTGCTCGAGCTCTCGGAAGGAAAGGAAGAACAAGGTCGCTTCTAAAAGGTTGACACCTG[T>C]ACTGAGACCCTAAATATAAGAAAGAAAAACCTAGAAATGTGAACTTAAAATACAAGTAAA-3'
Protein context (NP_001035197.1, residues 1087-1107): VDVVLENGSQ[Tyr1097Cys]RCQPFRSDLV

ClinVar aggregate classification (germline): Uncertain significance (1 of 4 stars; one submission).

Allele frequency attached by ClinVar (database versions not stated): gnomAD exomes below 0.00001.

Submission:

Ambry Genetics
Classification: Uncertain significance. Last evaluated: 2025-11-24. Review status: criteria provided, single submitter. Criteria: Ambry Variant Classification Scheme 2023. Collection method: clinical testing. Allele origin: germline.
Comment: The p.Y1097C variant (also known as c.3290A>G), located in coding exon 2 of the MLH3 gene, results from an A to G substitution at nucleotide position 3290. The tyrosine at codon 1097 is replaced by cysteine, an amino acid with highly dissimilar properties. This amino acid position is well conserved in available vertebrate species. In addition, this alteration is predicted to be tolerated by in silico analysis. Since supporting evidence is limited at this time, the clinical significance of this alteration remains unclear.